The following is an entry in ClinVar:

ClinVar aggregate classification (germline): Pathogenic (1 of 4 stars; one submission).

Submission:

Labcorp Genetics (formerly Invitae), Labcorp
Classification: Pathogenic. Last evaluated: 2023-11-17. Review status: criteria provided, single submitter. Criteria: Invitae Variant Classification Sherloc (09022015). Collection method: clinical testing. Allele origin: germline.
Comment: This sequence change creates a premature translational stop signal (p.Gln379Serfs*82) in the LZTR1 gene. It is expected to result in an absent or disrupted protein product. Loss-of-function variants in LZTR1 are known to be pathogenic (PMID: 24362817, 25335493, 25480913, 25795793, 29469822, 30368668, 30442762, 30442766, 30481304, 30859559). This variant is not present in population databases (gnomAD no frequency). This variant has not been reported in the literature in individuals affected with LZTR1-related conditions. ClinVar contains an entry for this variant (Variation ID: 2124897). For these reasons, this variant has been classified as Pathogenic.

Literature cited by the submitters: PubMed 24362817; PubMed 25335493; PubMed 25480913; PubMed 25795793; PubMed 29469822; PubMed 30368668; PubMed 30442762; PubMed 30442766; PubMed 30481304; PubMed 30859559.

NM_006767.4(LZTR1):c.1135del (p.Gln379fs)

Gene: LZTR1 (leucine zipper like post translational regulator 1; plus strand). Cytogenetic location: 22q11.21.
Variant type: Deletion.
Coding change: c.1135del on transcript NM_006767.4 (MANE Select); coding-DNA position 1135, one base deleted (C; older notation c.1135delC).
Protein change: p.Gln379fs; shifts the reading frame from glutamine 379.
Molecular consequence: frameshift variant.
Genome position (GRCh38, 1-based): chr22:20,992,355, C deleted; the last of 3 consecutive C bases (chr22:20,992,353-20,992,355); deleting any one gives the same sequence. VCF-style (leftmost placement, unchanged base first): chr22-20992352-AC-A. GRCh37 (hg19) VCF-style: chr22-21346641-AC-A.
Other names: short protein forms Q379fs.
Identifiers: ClinVar variation 2124897 (VCV002124897.4), dbSNP rs2518618162, ClinGen allele CA2580099229.